The following is an entry in ClinVar:

ClinVar aggregate classification (germline): Likely pathogenic (1 of 4 stars; one submission).

Submission:

Dasa
Classification: Likely pathogenic. Last evaluated: 2025-10-16. Review status: criteria provided, single submitter. Criteria: DASA Assertion Criteria. Collection method: clinical testing. Allele origin: germline.
Comment: NM_014874.4(MFN2):c.1107del (p.Glu370Argfs*32) is a frameshift variant in MFN2 predicted to alter the reading frame and introduce a premature termination codon and is predicted to result in an absent or altered protein product. Loss of function is an established disease mechanism for MFN2-associated disorders. Also, this variant is absent from population databases. Based on the currently available evidence, this variant is classified as likely pathogenic.

NM_014874.4(MFN2):c.1107del (p.Glu370fs)

Gene: MFN2 (mitofusin 2; plus strand). Cytogenetic location: 1p36.22.
Variant type: Deletion.
Coding change: c.1107del on transcript NM_014874.4 (MANE Select); coding-DNA position 1107, one base deleted (A; older notation c.1107delA).
Protein change: p.Glu370fs; shifts the reading frame from glutamic acid 370.
Molecular consequence: frameshift variant.
Genome position (GRCh38, 1-based): chr1:12,002,050, A deleted. VCF-style (leftmost placement, unchanged base first): chr1-12002049-CA-C. GRCh37 (hg19) VCF-style: chr1-12062106-CA-C.
Other names: c.1107del, p.Glu370fs (NM_001127660.2); short protein forms E370fs.
Identifiers: ClinVar variation 4886448 (VCV004886448.2).
Genomic context (GRCh38, chr1:12,002,049, plus strand): 5'-TCTCCCAGTCTGCAGTGAAGACCAAGTTTGAGCAGCACACGGTCCGGGCCAAGCAGATTG[CA>C]GAGGCGGTTCGACTCATCATGGACTCCCTGCACATGGCGGCTCGGGAGCAGCAGTAAGAG-3'